The following is an entry in ClinVar:

ClinVar aggregate classification (germline): Uncertain significance (1 of 4 stars; one submission).

gnomAD v4.1: 111 of 1,612,352 alleles (0.0069%); highest among the groups gnomAD compares: Non-Finnish European, 0.0092%; no homozygotes.

Submission:

GeneDx
Classification: Uncertain significance. Last evaluated: 2023-03-11. Review status: criteria provided, single submitter. Criteria: GeneDx Variant Classification Process June 2021. Collection method: clinical testing. Allele origin: germline. Affected: yes.
Comment: Not observed at significant frequency in large population cohorts (gnomAD); In silico analysis supports that this missense variant has a deleterious effect on protein structure/function; Has not been previously published as pathogenic or benign to our knowledge; Variants in candidate genes are classified as variants of uncertain significance in accordance with ACMG guidelines (Richards et al., 2015)

NM_198721.4(COL25A1):c.809G>C (p.Gly270Ala)

Gene: COL25A1 (collagen type XXV alpha 1 chain; minus strand). Cytogenetic location: 4q25.
Variant type: single nucleotide variant.
Coding change: c.809G>C on transcript NM_198721.4 (MANE Select); coding-DNA position 809, G replaced by C.
Protein change: p.Gly270Ala; replaces glycine 270 with alanine.
Molecular consequence: missense variant. On other transcripts: non-coding transcript variant (1).
Genome position (GRCh38, 1-based): chr4:108,901,144, C>G on the plus strand (G>C on the coding strand, the complement: COL25A1 is on the minus strand). VCF-style: chr4-108901144-C-G. GRCh37 (hg19) VCF-style: chr4-109822300-C-G.
Other names: c.797G>C, p.Gly266Ala (NM_001256074.3); c.809G>C, p.Gly270Ala (NM_032518.4); short protein forms G266A, G270A.
Identifiers: ClinVar variation 3600673 (VCV003600673.1).
Genomic context (GRCh38, chr4:108,901,144, plus strand): 5'-GTCAAATGATTCTGCTTGGCTTTATTTGTACTAACCTTAGGTCCTGGTATTCCATTCTGT[C>G]CTACTGCTCCAGGCAACCCGGGCTCACCCTCAAAATAGAAAAATAGATACTACTAAGTAA-3'
Protein context (NP_942014.1, residues 260-280): KGEPGLPGAV[Gly270Ala]QNGIPGPKGE